The following is an entry in ClinVar:

ClinVar aggregate classification (germline): Pathogenic (1 of 4 stars; one submission).

Conditions:
Dyskeratosis congenita, autosomal recessive 6 (DKCB6). Identifiers: MedGen C4225356, MONDO:0014600, OMIM 616353.
Pulmonary fibrosis and/or bone marrow failure, Telomere-related, 4. Also called: PULMONARY FIBROSIS AND/OR BONE MARROW FAILURE SYNDROME, TELOMERE-RELATED, 4. Identifiers: Orphanet 2032, MedGen C4225347, MONDO:0014612, OMIM 616371.

Submission:

Labcorp Genetics (formerly Invitae), Labcorp
Classification: Pathogenic for Dyskeratosis congenita, autosomal recessive 6; Pulmonary fibrosis and/or bone marrow failure, Telomere-related, 4. Last evaluated: 2023-03-26. Review status: criteria provided, single submitter. Criteria: Invitae Variant Classification Sherloc (09022015). Collection method: clinical testing. Allele origin: unknown.
Comment: For these reasons, this variant has been classified as Pathogenic. A similar copy number variant has been observed in individual(s) with PARN-related conditions (PMID: 26482878). A gross deletion of the genomic region encompassing the full coding sequence of the PARN gene has been identified. Loss-of-function variants in PARN are known to be pathogenic (PMID: 9736620, 25848748, 26810774). The boundaries of this event are unknown as they extend beyond the assayed region for this gene and therefore may encompass additional genes.

Literature cited by the submitters: PubMed 26482878; PubMed 9736620; PubMed 25848748; PubMed 26810774.

NC_000016.9:g.(?_14530574)_(14724045_?)del

Gene: PARN (poly(A)-specific ribonuclease; minus strand). Cytogenetic location: 16p13.12.
Variant type: Deletion.
Identifiers: ClinVar variation 3243537 (VCV003243537.1).